The following is an entry in ClinVar:

ClinVar aggregate classification (germline): Uncertain significance (1 of 4 stars; one submission).

Allele frequency attached by ClinVar (database versions not stated): TOPMed below 0.00001; gnomAD 0.00001; gnomAD exomes 0.00001.
gnomAD v4.1: 12 of 1,613,814 alleles (0.00074%); highest among the groups gnomAD compares: African/African-American, 0.0053%; no homozygotes.

Submission:

Labcorp Genetics (formerly Invitae), Labcorp
Classification: Uncertain significance. Last evaluated: 2024-07-09. Review status: criteria provided, single submitter. Criteria: Invitae Variant Classification Sherloc (09022015). Collection method: clinical testing. Allele origin: germline.
Comment: This sequence change replaces valine, which is neutral and non-polar, with isoleucine, which is neutral and non-polar, at codon 735 of the CYFIP2 protein (p.Val735Ile). This variant is present in population databases (no rsID available, gnomAD 0.006%). This variant has not been reported in the literature in individuals affected with CYFIP2-related conditions. ClinVar contains an entry for this variant (Variation ID: 2185258). Experimental studies and prediction algorithms are not available or were not evaluated, and the functional significance of this variant is currently unknown. In summary, the available evidence is currently insufficient to determine the role of this variant in disease. Therefore, it has been classified as a Variant of Uncertain Significance.

NM_001037333.3(CYFIP2):c.2203G>A (p.Val735Ile)

Gene: CYFIP2 (cytoplasmic FMR1 interacting protein 2; plus strand). Cytogenetic location: 5q33.3.
Variant type: single nucleotide variant.
Coding change: c.2203G>A on transcript NM_001037333.3 (MANE Select); coding-DNA position 2203, G replaced by A.
Protein change: p.Val735Ile; replaces valine 735 with isoleucine.
Molecular consequence: missense variant.
Genome position (GRCh38, 1-based): chr5:157,330,788, G>A. VCF-style: chr5-157330788-G-A. GRCh37 (hg19) VCF-style: chr5-156757796-G-A.
Other names: c.2125G>A, p.Val709Ile (NM_001291721.2); c.2278G>A, p.Val760Ile (NM_001291722.2); c.2203G>A, p.Val735Ile (NM_014376.4); short protein forms V760I, V709I, V735I.
Identifiers: ClinVar variation 2185258 (VCV002185258.4), dbSNP rs1341378145, ClinGen allele CA361970951.
Genomic context (GRCh38, chr5:157,330,788, plus strand): 5'-TTTATTCCTTGCAGTGTCCTGTTGGATAAACGTTTTCGAGCTGAGTGTAAGAATTATGGC[G>A]TCATCATTCCGTATCCACCGTCCAATCGCTATGAAACACTGCTGAAGCAGAGACACGTCC-3'
Protein context (NP_001032410.1, residues 725-745): RFRAECKNYG[Val735Ile]IIPYPPSNRY